The following is an entry in ClinVar:

ClinVar aggregate classification (germline): Uncertain significance (1 of 4 stars; one submission).

Allele frequency attached by ClinVar (database versions not stated): gnomAD exomes 0.00001; TOPMed 0.00001; gnomAD 0.00002; 1000 Genomes Project 30x 0.00016; 1000 Genomes Project 0.00020.
gnomAD v4.1: 289 of 1,613,390 alleles (0.018%); highest among the groups gnomAD compares: Non-Finnish European, 0.024%; no homozygotes.

Submission:

Labcorp Genetics (formerly Invitae), Labcorp
Classification: Uncertain significance. Last evaluated: 2023-11-27. Review status: criteria provided, single submitter. Criteria: Invitae Variant Classification Sherloc (09022015). Collection method: clinical testing. Allele origin: germline.
Comment: This sequence change replaces aspartic acid, which is acidic and polar, with glycine, which is neutral and non-polar, at codon 280 of the ADGRA3 protein (p.Asp280Gly). This variant is present in population databases (rs200853804, gnomAD 0.003%). This variant has not been reported in the literature in individuals affected with ADGRA3-related conditions. ClinVar contains an entry for this variant (Variation ID: 1511983). An algorithm developed to predict the effect of missense changes on protein structure and function (PolyPhen-2) suggests that this variant is likely to be disruptive. In summary, the available evidence is currently insufficient to determine the role of this variant in disease. Therefore, it has been classified as a Variant of Uncertain Significance.

NM_145290.4(ADGRA3):c.839A>G (p.Asp280Gly)

Gene: ADGRA3 (adhesion G protein-coupled receptor A3; minus strand). Cytogenetic location: 4p15.2.
Variant type: single nucleotide variant.
Coding change: c.839A>G on transcript NM_145290.4 (MANE Select); coding-DNA position 839, A replaced by G.
Protein change: p.Asp280Gly; replaces aspartic acid 280 with glycine.
Molecular consequence: missense variant.
Genome position (GRCh38, 1-based): chr4:22,442,731, T>C on the plus strand (A>G on the coding strand, the complement: ADGRA3 is on the minus strand). VCF-style: chr4-22442731-T-C. GRCh37 (hg19) VCF-style: chr4-22444354-T-C.
Other names: short protein forms D280G.
Identifiers: ClinVar variation 1511983 (VCV001511983.6), dbSNP rs200853804, ClinGen allele CA93526309.